The following is an entry in ClinVar:

ClinVar aggregate classification (germline): Uncertain significance (1 of 4 stars; one submission).

Submission:

Women's Health and Genetics/Laboratory Corporation of America, LabCorp
Classification: Uncertain significance. Last evaluated: 2025-07-31. Review status: criteria provided, single submitter. Criteria: LabCorp Variant Classification Summary - May 2015. Collection method: clinical testing. Allele origin: germline.
Comment: Variant summary: CNGA3 c.1457G>C (p.Cys486Ser) results in a non-conservative amino acid change in the encoded protein sequence. Algorithms developed to predict the effect of missense changes on protein structure and function all suggest that this variant is likely to be disruptive. The variant was absent in 250798 control chromosomes. The available data on variant occurrences in the general population are insufficient to allow any conclusion about variant significance. To our knowledge, no occurrence of c.1457G>C in individuals affected with Achromatopsia 2 and no experimental evidence demonstrating its impact on protein function have been reported. No submitters have cited clinical-significance assessments for this variant to ClinVar. Based on the evidence outlined above, the variant was classified as uncertain significance.

NM_001298.3(CNGA3):c.1457G>C (p.Cys486Ser)

Gene: CNGA3 (cyclic nucleotide gated channel subunit alpha 3; plus strand). Cytogenetic location: 2q11.2.
Variant type: single nucleotide variant.
Coding change: c.1457G>C on transcript NM_001298.3 (MANE Select); coding-DNA position 1457, G replaced by C.
Protein change: p.Cys486Ser; replaces cysteine 486 with serine.
Molecular consequence: missense variant.
Genome position (GRCh38, 1-based): chr2:98,396,627, G>C. VCF-style: chr2-98396627-G-C. GRCh37 (hg19) VCF-style: chr2-99013090-G-C.
Other names: c.1403G>C, p.Cys468Ser (NM_001079878.2); short protein forms C468S, C486S.
Identifiers: ClinVar variation 4526145 (VCV004526145.1).